The following is an entry in ClinVar:

NM_000165.5(GJA1):c.98G>A (p.Arg33Gln)

Gene: GJA1 (gap junction protein alpha 1; plus strand). Cytogenetic location: 6q22.31.
Variant type: single nucleotide variant.
Coding change: c.98G>A on transcript NM_000165.5 (MANE Select); coding-DNA position 98, G replaced by A.
Protein change: p.Arg33Gln; replaces arginine 33 with glutamine.
Molecular consequence: missense variant.
Genome position (GRCh38, 1-based): chr6:121,446,945, G>A. VCF-style: chr6-121446945-G-A. GRCh37 (hg19) VCF-style: chr6-121768091-G-A.
Other names: short protein forms R33Q.
Identifiers: ClinVar variation 4737940 (VCV004737940.3).

ClinVar aggregate classification (germline): Uncertain significance. Review status: criteria provided, multiple submitters, no conflicts (2 of 4 stars). 2 submissions from 2 submitters: Uncertain significance (2). Last evaluated 2026-03-23.

Conditions:
Oculodentodigital dysplasia, autosomal recessive. Also called: OCULODENTOOSSEOUS DYSPLASIA, AUTOSOMAL RECESSIVE; ODDD, AUTOSOMAL RECESSIVE; ODOD, AUTOSOMAL RECESSIVE. Identifiers: Orphanet 2710, MedGen C2749477, MONDO:0009768, OMIM 257850.

Submissions (2):

Dasa
Classification: Uncertain significance. Last evaluated: 2026-03-23. Review status: criteria provided, single submitter. Criteria: DASA Assertion Criteria. Collection method: clinical testing. Allele origin: germline.
Comment: NM_000165.5(GJA1):c.98G>A (p.Arg33Gln) is a missense variant that results in the substitution of arginine with glutamine. The affected residue or protein region has prior evidence supporting clinical relevance. This variant is rare in population databases. Computational prediction algorithms are consistent with a deleterious effect. The currently available literature and clinical evidence are not sufficient to establish a definitive association between this variant and the reported condition. Therefore, this variant is classified as a variant of uncertain significance.

Labcorp Genetics (formerly Invitae), Labcorp
Classification: Uncertain significance for Oculodentodigital dysplasia, autosomal recessive. Last evaluated: 2025-06-22. Review status: criteria provided, single submitter. Criteria: Invitae Variant Classification Sherloc (09022015). Collection method: clinical testing. Allele origin: germline.
Comment: This sequence change replaces arginine, which is basic and polar, with glutamine, which is neutral and polar, at codon 33 of the GJA1 protein (p.Arg33Gln). This variant is present in population databases (no rsID available, gnomAD 0.006%). This variant has not been reported in the literature in individuals affected with GJA1-related conditions. Invitae Evidence Modeling of protein sequence and biophysical properties (such as structural, functional, and spatial information, amino acid conservation, physicochemical variation, residue mobility, and thermodynamic stability) indicates that this missense variant is expected to disrupt GJA1 protein function with a positive predictive value of 95%. In summary, the available evidence is currently insufficient to determine the role of this variant in disease. Therefore, it has been classified as a Variant of Uncertain Significance.